The following is an entry in ClinVar:

NM_000465.4(BARD1):c.77T>C (p.Met26Thr)

Gene: BARD1 (BRCA1 associated RING domain 1; minus strand). Cytogenetic location: 2q35.
Variant type: single nucleotide variant.
Coding change: c.77T>C on transcript NM_000465.4 (MANE Select); coding-DNA position 77, T replaced by C.
Protein change: p.Met26Thr; replaces methionine 26 with threonine.
Molecular consequence: missense variant. On other transcripts: non-coding transcript variant (3).
Genome position (GRCh38, 1-based): chr2:214,809,493, A>G on the plus strand (T>C on the coding strand, the complement: BARD1 is on the minus strand). VCF-style: chr2-214809493-A-G. GRCh37 (hg19) VCF-style: chr2-215674217-A-G.
Other names: c.77T>C, p.Met26Thr (NM_001282543.2, NM_001282545.2, NM_001282548.2 and 1 more transcripts); short protein forms M26T.
Identifiers: ClinVar variation 1439987 (VCV001439987.8), dbSNP rs759957629, ClinGen allele CA2090522.
Genomic context (GRCh38, chr2:214,809,493, plus strand): 5'-TTCTCCAGGCGGTCGAGCGCGGCGCGACTGTGGGCCCAGGCACCGCGACCATCCGGTTCC[A>G]TGGCGGGCGCGGAACGAGGCTCGTTCCCGGAGCGGATCCTCGGCTGCCGGTTCCTCGGCT-3'
Protein context (NP_000456.2, residues 16-36): SGNEPRSAPA[Met26Thr]EPDGRGAWAH

ClinVar aggregate classification (germline): Uncertain significance. Review status: criteria provided, multiple submitters, no conflicts (2 of 4 stars). 2 submissions from 2 submitters: Uncertain significance (2). Last evaluated 2025-12-15.

Conditions:
Familial cancer of breast. Also called: hereditary breast carcinoma; BREAST CANCER, FAMILIAL; Hereditary breast cancer. Identifiers: Orphanet 227535, MedGen C0346153, MONDO:0016419, OMIM 114480. Disease mechanism: loss of function.
Hereditary cancer-predisposing syndrome. Also called: Neoplastic Syndromes, Hereditary; Hereditary Cancer Syndrome; Hereditary neoplastic syndrome; Tumor predisposition. Identifiers: Orphanet 140162, MedGen C0027672, MeSH D009386, MONDO:0015356.

Allele frequency attached by ClinVar (database versions not stated): gnomAD exomes below 0.00001.
gnomAD v4.1: 3 of 1,607,596 alleles (0.00019%); highest among the groups gnomAD compares: Non-Finnish European, 0.00025%; no homozygotes.

Submissions (2):

Color Diagnostics, LLC DBA Color Health
Classification: Uncertain significance for Hereditary cancer-predisposing syndrome. Last evaluated: 2025-12-15. Review status: criteria provided, single submitter. Criteria: ACMG Guidelines, 2015. Collection method: clinical testing. Allele origin: germline.
Comment: This missense variant replaces methionine with threonine at codon 26 of the BARD1 protein. Computational prediction suggests that this variant may not impact protein structure and function. To our knowledge, functional studies have not been reported for this variant. This variant has not been reported in individuals affected with BARD1-related disorders in the literature. This variant has been identified in 3/1607596 chromosomes in the general population by the Genome Aggregation Database (gnomAD). The available evidence is insufficient to determine the role of this variant in disease conclusively. Therefore, this variant is classified as a Variant of Uncertain Significance.

Labcorp Genetics (formerly Invitae), Labcorp
Classification: Uncertain significance for Familial cancer of breast. Last evaluated: 2025-09-07. Review status: criteria provided, single submitter. Criteria: Invitae Variant Classification Sherloc (09022015). Collection method: clinical testing. Allele origin: germline.
Comment: This sequence change replaces methionine, which is neutral and non-polar, with threonine, which is neutral and polar, at codon 26 of the BARD1 protein (p.Met26Thr). This variant is not present in population databases (gnomAD no frequency). This variant has not been reported in the literature in individuals affected with BARD1-related conditions. ClinVar contains an entry for this variant (Variation ID: 1439987). An algorithm developed to predict the effect of missense changes on protein structure and function (PolyPhen-2) suggests that this variant is likely to be disruptive. In summary, the available evidence is currently insufficient to determine the role of this variant in disease. Therefore, it has been classified as a Variant of Uncertain Significance.